The following is an entry in ClinVar:

ClinVar aggregate classification (germline): Uncertain significance (1 of 4 stars; one submission).

Conditions:
Cardiovascular phenotype. Identifiers: MedGen CN230736.

Submission:

Ambry Genetics
Classification: Uncertain significance for Cardiovascular phenotype. Last evaluated: 2025-06-07. Review status: criteria provided, single submitter. Criteria: Ambry Variant Classification Scheme 2023. Collection method: clinical testing. Allele origin: germline.
Comment: The p.R325H variant (also known as c.974G>A), located in coding exon 2 of the TNXB gene, results from a G to A substitution at nucleotide position 974. The arginine at codon 325 is replaced by histidine, an amino acid with highly similar properties. This amino acid position is conserved. In addition, this alteration is predicted to be tolerated by in silico analysis. Based on the available evidence, the clinical significance of this variant remains unclear.

NM_001365276.2(TNXB):c.974G>A (p.Arg325His)

Gene: TNXB (tenascin XB; minus strand). Cytogenetic location: 6p21.33.
Variant type: single nucleotide variant.
Coding change: c.974G>A on transcript NM_001365276.2 (MANE Select); coding-DNA position 974, G replaced by A.
Protein change: p.Arg325His; replaces arginine 325 with histidine.
Molecular consequence: missense variant.
Genome position (GRCh38, 1-based): chr6:32,096,879, C>T on the plus strand (G>A on the coding strand, the complement: TNXB is on the minus strand). VCF-style: chr6-32096879-C-T. GRCh37 (hg19) VCF-style: chr6-32064656-C-T.
Other names: c.974G>A, p.Arg325His (NM_001428335.1, NM_019105.8); short protein forms R325H.
Identifiers: ClinVar variation 3972052 (VCV003972052.1).